The following is an entry in ClinVar:

NM_032638.5(GATA2):c.110C>A (p.Ala37Glu)

Gene: GATA2 (GATA binding protein 2; minus strand). Cytogenetic location: 3q21.3.
Variant type: single nucleotide variant.
Coding change: c.110C>A on transcript NM_032638.5 (MANE Select); coding-DNA position 110, C replaced by A.
Protein change: p.Ala37Glu; replaces alanine 37 with glutamic acid.
Molecular consequence: missense variant.
Genome position (GRCh38, 1-based): chr3:128,486,922, G>T on the plus strand (C>A on the coding strand, the complement: GATA2 is on the minus strand). VCF-style: chr3-128486922-G-T. GRCh37 (hg19) VCF-style: chr3-128205765-G-T.
Other names: c.110C>A, p.Ala37Glu (NM_001145661.2, NM_001145662.1); short protein forms A37E.
Identifiers: ClinVar variation 4620640 (VCV004620640.1).

ClinVar aggregate classification (germline): Uncertain significance (1 of 4 stars; one submission).

Conditions:
Inborn genetic diseases. Identifiers: MedGen C0950123, MeSH D030342.

gnomAD v4.1: 1 of 1,612,980 alleles (0.000062%); highest among the groups gnomAD compares: Admixed American, 0.0017%; no homozygotes.

Submission:

Ambry Genetics
Classification: Uncertain significance for Inborn genetic diseases. Last evaluated: 2025-11-17. Review status: criteria provided, single submitter. Criteria: Ambry Variant Classification Scheme 2023. Collection method: clinical testing. Allele origin: germline.
Comment: The p.A37E variant (also known as c.110C>A), located in coding exon 1 of the GATA2 gene, results from a C to A substitution at nucleotide position 110. The alanine at codon 37 is replaced by glutamic acid, an amino acid with dissimilar properties. This amino acid position is conserved. In addition, this alteration is predicted to be deleterious by in silico analysis. Based on the available evidence, the clinical significance of this variant remains unclear.